The following is an entry in ClinVar:

ClinVar aggregate classification (germline): Uncertain significance. Review status: criteria provided, multiple submitters, no conflicts (2 of 4 stars). 2 submissions from 2 submitters: Uncertain significance (2). Last evaluated 2025-07-31.

Conditions:
Beta-thalassemia HBB/LCRB. Identifiers: MedGen CN322236, MONDO:0013517, OMIM 613985.

Allele frequency attached by ClinVar (database versions not stated): gnomAD exomes below 0.00001; TOPMed below 0.00001; ExAC 0.00001.

Submissions (2):

Women's Health and Genetics/Laboratory Corporation of America, LabCorp
Classification: Uncertain significance. Last evaluated: 2025-07-31. Review status: criteria provided, single submitter. Criteria: LabCorp Variant Classification Summary - May 2015. Collection method: clinical testing. Allele origin: germline.
Comment: Variant summary: HBB c.385G>A (p.Ala129Thr) results in a non-conservative amino acid change in the encoded protein sequence. Algorithms developed to predict the effect of missense changes on protein structure and function all suggest that this variant is likely to be disruptive. The variant allele was found at a frequency of 4e-06 in 251300 control chromosomes. The available data on variant occurrences in the general population are insufficient to allow any conclusion about variant significance. To our knowledge, no occurrence of c.385G>A in individuals affected with Beta Thalassemia and no experimental evidence demonstrating its impact on protein function have been reported. ClinVar contains an entry for this variant (Variation ID: 3235090). Based on the evidence outlined above, the variant was classified as uncertain significance.

Department of Medical Genomics, Royal Prince Alfred Hospital
Classification: Uncertain significance for Beta-thalassemia HBB/LCRB. Last evaluated: 2024-05-03. Review status: criteria provided, single submitter. Criteria: ACMG Guidelines, 2015. Collection method: clinical testing. Allele origin: germline. Inheritance: Autosomal dominant inheritance. Affected: yes. Observed: 1 heterozygote.
Comment: This is a rare variant that has been observed at low allelic frequency in the South Asian population only (variant allelic frequency 0.0035%, gnomAD v4). This variant has not been described in literature, however two different missense variants at the same codon (p.Ala129Val and p.Ala129Pro, also known as Hb Sitia and Hb Mont Saint Aignan respectively) have been described as mildly unstable haemoglobin variant leading to mild chronic microcytic anaemia (PMID: 11300349, 11300350). Alanine 129 interacts with several amino acids at the alpha/beta haemoglobin subunit interface. In silico analysis by REVEL also predicted the p.(Ala129Thr) variant pathogenic (REVEL 0.70).

NM_000518.5(HBB):c.385G>A (p.Ala129Thr)

Genes: HBB (hemoglobin subunit beta; minus strand), LOC107133510 (origin of replication at HBB; plus strand), LOC110006319 (beta-globin gene 3' regulatory region; plus strand). Cytogenetic location: 11p15.4.
Variant type: single nucleotide variant.
Coding change: c.385G>A on transcript NM_000518.5 (MANE Select); coding-DNA position 385, G replaced by A.
Protein change: p.Ala129Thr; replaces alanine 129 with threonine.
Molecular consequence: missense variant.
Genome position (GRCh38, 1-based): chr11:5,225,657, C>T on the plus strand (G>A on the coding strand, the complement: HBB is on the minus strand). VCF-style: chr11-5225657-C-T. GRCh37 (hg19) VCF-style: chr11-5246887-C-T.
Other names: short protein forms A129T.
Identifiers: ClinVar variation 3235090 (VCV003235090.3), dbSNP rs34139813, ClinGen allele CA5839695.